The following is an entry in ClinVar:

ClinVar aggregate classification (germline): Uncertain significance (1 of 4 stars; one submission).

Conditions:
Fanconi anemia (FA). Also called: Fanconi's anemia. Identifiers: Orphanet 84, MedGen C0015625, MeSH D005199, MONDO:0019391.

Allele frequency attached by ClinVar (database versions not stated): gnomAD exomes below 0.00001; TOPMed below 0.00001.
gnomAD v4.1: 1 of 1,614,022 alleles (0.000062%); highest among the groups gnomAD compares: Admixed American, 0.0017%; no homozygotes.

Submission:

Labcorp Genetics (formerly Invitae), Labcorp
Classification: Uncertain significance for Fanconi anemia. Last evaluated: 2023-03-24. Review status: criteria provided, single submitter. Criteria: Invitae Variant Classification Sherloc (09022015). Collection method: clinical testing. Allele origin: germline.
Comment: This variant has not been reported in the literature in individuals affected with FANCA-related conditions. Advanced modeling of protein sequence and biophysical properties (such as structural, functional, and spatial information, amino acid conservation, physicochemical variation, residue mobility, and thermodynamic stability) performed at Invitae indicates that this missense variant is expected to disrupt FANCA protein function. In summary, the available evidence is currently insufficient to determine the role of this variant in disease. Therefore, it has been classified as a Variant of Uncertain Significance. This variant is present in population databases (no rsID available, gnomAD 0.003%). This sequence change replaces leucine, which is neutral and non-polar, with methionine, which is neutral and non-polar, at codon 684 of the FANCA protein (p.Leu684Met).

NM_000135.4(FANCA):c.2050C>A (p.Leu684Met)

Gene: FANCA (FA complementation group A; minus strand). Cytogenetic location: 16q24.3.
Variant type: single nucleotide variant.
Coding change: c.2050C>A on transcript NM_000135.4 (MANE Select); coding-DNA position 2050, C replaced by A.
Protein change: p.Leu684Met; replaces leucine 684 with methionine.
Molecular consequence: missense variant.
Genome position (GRCh38, 1-based): chr16:89,771,779, G>T on the plus strand (C>A on the coding strand, the complement: FANCA is on the minus strand). VCF-style: chr16-89771779-G-T. GRCh37 (hg19) VCF-style: chr16-89838187-G-T.
Other names: c.2050C>A, p.Leu684Met (NM_001286167.3); short protein forms L684M.
Identifiers: ClinVar variation 2848780 (VCV002848780.2), dbSNP rs1284083461, ClinGen allele CA397448600.